The following is an entry in ClinVar:

ClinVar aggregate classification (germline): Likely benign. Review status: criteria provided, single submitter (1 of 4 stars). 2 submissions from 2 submitters: Likely benign (1). 1 of the submissions does not count toward it. Last evaluated 2025-08-20.

Conditions:
COL7A1-related disorder. Also called: COL7A1-related condition; COL7A1- related disorders.

Allele frequency attached by ClinVar (database versions not stated): gnomAD exomes below 0.00001.
gnomAD v4.1: 4 of 1,614,116 alleles (0.00025%); highest among the groups gnomAD compares: Non-Finnish European, 0.00034%; no homozygotes.

Submissions (2):

Labcorp Genetics (formerly Invitae), Labcorp
Classification: Likely benign. Last evaluated: 2025-08-20. Review status: criteria provided, single submitter. Criteria: Invitae Variant Classification Sherloc (09022015). Collection method: clinical testing. Allele origin: germline.

PreventionGenetics, part of Exact Sciences
Classification: Likely benign for COL7A1-related condition. Last evaluated: 2024-06-17. Review status: no assertion criteria provided. Collection method: clinical testing. Allele origin: germline. Not counted in ClinVar's aggregate classification.
Comment: This variant is classified as likely benign based on ACMG/AMP sequence variant interpretation guidelines (Richards et al. 2015 PMID: 25741868, with internal and published modifications).

NM_000094.4(COL7A1):c.1128G>T (p.Gly376=)

Gene: COL7A1 (collagen type VII alpha 1 chain; minus strand). Cytogenetic location: 3p21.31.
Variant type: single nucleotide variant.
Coding change: c.1128G>T on transcript NM_000094.4 (MANE Select); coding-DNA position 1128, G replaced by T.
Protein change: p.Gly376=; no amino-acid change (glycine 376 retained).
Molecular consequence: synonymous variant.
Genome position (GRCh38, 1-based): chr3:48,592,214, C>A on the plus strand (G>T on the coding strand, the complement: COL7A1 is on the minus strand). VCF-style: chr3-48592214-C-A. GRCh37 (hg19) VCF-style: chr3-48629647-C-A.
Identifiers: ClinVar variation 2897053 (VCV002897053.4), dbSNP rs2045754311, ClinGen allele CA433618902.